The following is an entry in ClinVar:

NM_000834.5(GRIN2B):c.1654+8A>G

Gene: GRIN2B (glutamate ionotropic receptor NMDA type subunit 2B; minus strand). Cytogenetic location: 12p13.1.
Variant type: single nucleotide variant.
Coding change: c.1654+8A>G on transcript NM_000834.5 (MANE Select); 8 bases into the intron after coding-DNA position 1654, A replaced by G.
Molecular consequence: intron variant.
Genome position (GRCh38, 1-based): chr12:13,615,106, T>C on the plus strand (A>G on the coding strand, the complement: GRIN2B is on the minus strand). VCF-style: chr12-13615106-T-C. GRCh37 (hg19) VCF-style: chr12-13768040-T-C.
Other names: c.1654+8A>G (NM_001413992.1).
Identifiers: ClinVar variation 2938852 (VCV002938852.4), dbSNP rs780586152, ClinGen allele CA6461214.
Genomic context (GRCh38, chr12:13,615,106, plus strand): 5'-CCTTTTTTCCTTATTTCACTTCCCCATCCATACGTCCATTTCCTTCCACCAGCAAACCCA[T>C]CATTTACCTAAGAAGGCAGAAGGTGAGACAGTCCCATTGCTGCGTGACACCATGACACTG-3'

ClinVar aggregate classification (germline): Uncertain significance (1 of 4 stars; one submission).

Conditions:
Intellectual developmental disorder, autosomal dominant 6, with or without seizures. Also called: GRIN2B-related developmental delay, intellectual disability and autism spectrum disorder; Intellectual disability, autosomal dominant 6. Identifiers: Orphanet 589547, MedGen C3151411, MONDO:0013509, OMIM 613970.
Developmental and epileptic encephalopathy, 27 (DEE27). Also called: Epileptic encephalopathy, early infantile, 27; GRIN2B-Related Neurodevelopmental Disorder. Identifiers: Orphanet 3451, MedGen C4015316, MONDO:0014505, OMIM 616139.

Allele frequency attached by ClinVar (database versions not stated): gnomAD exomes below 0.00001; ExAC 0.00001.
gnomAD v4.1: 2 of 1,610,058 alleles (0.00012%); highest among the groups gnomAD compares: Non-Finnish European, 0.000085%; no homozygotes.

Submissions (2):

Labcorp Genetics (formerly Invitae), Labcorp
Classification: Uncertain significance for Developmental and epileptic encephalopathy, 27; Intellectual developmental disorder, autosomal dominant 6, with or without seizures. Last evaluated: 2023-10-10. Review status: criteria provided, single submitter. Criteria: Invitae Variant Classification Sherloc (09022015). Collection method: clinical testing. Allele origin: germline.
Comment: This sequence change falls in intron 7 of the GRIN2B gene. It does not directly change the encoded amino acid sequence of the GRIN2B protein. This variant is present in population databases (rs780586152, gnomAD 0.0009%). This variant has not been reported in the literature in individuals affected with GRIN2B-related conditions. Algorithms developed to predict the effect of sequence changes on RNA splicing suggest that this variant may create or strengthen a splice site. In summary, the available evidence is currently insufficient to determine the role of this variant in disease. Therefore, it has been classified as a Variant of Uncertain Significance.

Dr. Peter K. Rogan Lab, Western University
No classification provided (evidence only). Condition: Ovarian serous cystadenocarcinoma. Review status: no classification provided. Collection method: in vitro. Allele origin: not applicable. Functional consequence: retained intron. Not counted in ClinVar's aggregate classification.